The following is an entry in ClinVar:

NM_000070.3(CAPN3):c.1309C>T (p.Arg437Cys)

Gene: CAPN3 (calpain 3; plus strand). Cytogenetic location: 15q15.1.
Variant type: single nucleotide variant.
Coding change: c.1309C>T on transcript NM_000070.3 (MANE Select); coding-DNA position 1309, C replaced by T.
Protein change: p.Arg437Cys; replaces arginine 437 with cysteine.
Molecular consequence: missense variant.
Genome position (GRCh38, 1-based): chr15:42,399,607, C>T. VCF-style: chr15-42399607-C-T. GRCh37 (hg19) VCF-style: chr15-42691805-C-T.
Other names: c.1309C>T, p.Arg437Cys (NM_024344.2); c.1165C>T, p.Arg389Cys (NM_173087.2); short protein forms R437C, R389C.
Identifiers: ClinVar variation 285470 (VCV000285470.63), dbSNP rs777483913, ClinGen allele CA7511316.

ClinVar aggregate classification (germline): Pathogenic/Likely pathogenic. Review status: criteria provided, multiple submitters, no conflicts (2 of 4 stars). 9 submissions from 9 submitters: Pathogenic (3); Likely pathogenic (5). 1 of the submissions does not count toward it. Last evaluated 2026-06-01.

Conditions:
Muscular dystrophy, limb-girdle, autosomal dominant 4. Also called: MUSCULAR DYSTROPHY, LIMB-GIRDLE, TYPE 1I; Calpain-3-related limb-girdle muscular dystrophy D4. Identifiers: Orphanet 565909, MedGen C4748295, MONDO:0029133, OMIM 618129.
CAPN3-related disorder. Also called: CAPN3-related disorders; CAPN3-related condition. Identifiers: MedGen CN239245.
Autosomal recessive limb-girdle muscular dystrophy type 2A (LGMDR1). Also called: Calpainopathy; Muscular dystrophy, limb-girdle, type 2A, Amish; LEYDEN-MOEBIUS MUSCULAR DYSTROPHY; MUSCULAR DYSTROPHY, PELVOFEMORAL; Limb-girdle muscular dystrophy, type 2A. Identifiers: Orphanet 267, MedGen C1869123, MONDO:0009675, OMIM 253600. Disease mechanism: loss of function.

Allele frequency attached by ClinVar (database versions not stated): gnomAD 0.00001; TOPMed 0.00001; ExAC 0.00002; gnomAD exomes 0.00002.
gnomAD v4.1: 20 of 1,613,116 alleles (0.0012%); highest among the groups gnomAD compares: Admixed American, 0.0033%; no homozygotes.

Submissions (9):

CeGaT Center for Human Genetics Tuebingen
Classification: Likely pathogenic. Last evaluated: 2026-06-01. Review status: criteria provided, single submitter. Criteria: CeGaT Center For Human Genetics Tuebingen Variant Classification Criteria Version 2. Collection method: clinical testing. Allele origin: germline. Affected: yes. Observed: 2 variant alleles.
Comment: CAPN3: PM2, PM3, PM5, PM1:Supporting, PP3

Natera, Inc.
Classification: Likely pathogenic for Limb-girdle muscular dystrophy type 2A. Last evaluated: 2025-12-02. Review status: criteria provided, single submitter. Criteria: Natera Variant Classification Schema (03/2026). Collection method: clinical testing. Allele origin: germline.
Comment: The c.1309C>T variant in CAPN3 is a missense variant predicted to cause substitution of arginine to cysteine at amino acid 437. This variant is rare in the general population with a frequency below the threshold expected for the associated phenotype(s). This variant has been observed in one or more individuals affected with the associated recessive disease, as either homozygous or compound heterozygous with a second variant (PMID: 26404900, 15221789, 29685414, 1555977, 16141003). A different variant at the same position has been determined to be Pathogenic or Likely Pathogenic. Given the available evidence, this variant is classified as Likely Pathogenic.

Labcorp Genetics (formerly Invitae), Labcorp
Classification: Pathogenic for Autosomal recessive limb-girdle muscular dystrophy type 2A. Last evaluated: 2025-10-22. Review status: criteria provided, single submitter. Criteria: Invitae Variant Classification Sherloc (09022015). Collection method: clinical testing. Allele origin: germline.
Comment: This sequence change replaces arginine, which is basic and polar, with cysteine, which is neutral and slightly polar, at codon 437 of the CAPN3 protein (p.Arg437Cys). This variant is present in population databases (rs777483913, gnomAD 0.006%). This missense change has been observed in individual(s) with autosomal recessive limb girdle muscular dystrophy, type 2A (PMID: 10330340, 15221789, 16141003, 18563459, 18854869, 20044116, 26404900, 27081656). In at least one individual the data is consistent with being in trans (on the opposite chromosome) from a pathogenic variant. ClinVar contains an entry for this variant (Variation ID: 285470). Invitae Evidence Modeling of protein sequence and biophysical properties (such as structural, functional, and spatial information, amino acid conservation, physicochemical variation, residue mobility, and thermodynamic stability) indicates that this missense variant is not expected to disrupt CAPN3 protein function with a negative predictive value of 80%. For these reasons, this variant has been classified as Pathogenic.

Blueprint Genetics
Classification: Pathogenic for CAPN3-related disorders. Last evaluated: 2024-03-15. Review status: criteria provided, single submitter. Criteria: ACMG Guidelines, 2015. Collection method: clinical testing. Allele origin: germline. Affected: yes. Observed: 2 variant alleles.

Baylor Genetics
Classification: Pathogenic for Muscular dystrophy, limb-girdle, autosomal dominant 4. Last evaluated: 2024-01-27. Review status: criteria provided, single submitter. Criteria: ACMG Guidelines, 2015. Collection method: clinical testing. Allele origin: unknown.

Revvity Omics, Revvity
Classification: Likely pathogenic. Last evaluated: 2019-12-09. Review status: criteria provided, single submitter. Criteria: ACMG Guidelines, 2015. Collection method: clinical testing. Allele origin: germline.

Eurofins Ntd Llc (ga)
Classification: Likely pathogenic. Last evaluated: 2016-01-19. Review status: criteria provided, single submitter. Criteria: EGL Classification Definitions 2015. Collection method: clinical testing. Allele origin: germline. Observed: 1 variant allele, 1 heterozygote.

Juno Genomics, Hangzhou Juno Genomics, Inc
Classification: Likely pathogenic for Autosomal recessive limb-girdle muscular dystrophy type 2A. Review status: criteria provided, single submitter. Criteria: ACMG Guidelines, 2015. Collection method: clinical testing. Allele origin: germline.
Comment: Absent from controls (or at extremely low frequency if recessive) in Genome Aggregation Database.;Multiple lines of computational evidence support a deleterious effect on the gene or gene product.;For recessive disorders, detected in trans with a pathogenic variant.;Patient's phenotype or family history is highly specific for a disease with a single genetic etiology.

Counsyl
Classification: Likely pathogenic for Autosomal recessive limb-girdle muscular dystrophy type 2A. Last evaluated: 2017-05-15. Review status: no assertion criteria provided. Collection method: clinical testing. Allele origin: unknown. Not counted in ClinVar's aggregate classification.

Literature cited by the submitters: PubMed 26404900 (cited by Natera, Inc. and Labcorp Genetics (formerly Invitae), Labcorp); PubMed 15221789 (cited by Natera, Inc. and Labcorp Genetics (formerly Invitae), Labcorp); PubMed 29685414 (cited by Natera, Inc.); PubMed 1555977 (cited by Natera, Inc.); PubMed 16141003 (cited by 3 submitters); PubMed 10330340 (cited by Labcorp Genetics (formerly Invitae), Labcorp); PubMed 18563459 (cited by Labcorp Genetics (formerly Invitae), Labcorp and Counsyl); PubMed 18854869 (cited by Labcorp Genetics (formerly Invitae), Labcorp); PubMed 20044116 (cited by Labcorp Genetics (formerly Invitae), Labcorp); PubMed 27081656 (cited by Labcorp Genetics (formerly Invitae), Labcorp).